The following is an entry in ClinVar:

ClinVar aggregate classification (germline): Likely pathogenic (1 of 4 stars; one submission).

Conditions:
Intellectual developmental disorder, autosomal dominant 44, with microcephaly. Also called: Micrognathia-recurrent infections-behavioral abnormalities-mild intellectual disability syndrome; TRIO-Related Intellectual Disability. Identifiers: Orphanet 476126, MedGen C4310740, MONDO:0014892, OMIM 617061.

Submission:

Institute of Human Genetics, University of Leipzig Medical Center
Classification: Likely pathogenic for Intellectual developmental disorder, autosomal dominant 44, with microcephaly. Last evaluated: 2022-07-26. Review status: criteria provided, single submitter. Criteria: ACMG Guidelines, 2015. Collection method: clinical testing. Allele origin: unknown. Affected: yes.
Comment: _x000D_ Criteria applied: PVS1, PM2_SUP

NM_007118.4(TRIO):c.3571C>T (p.Gln1191Ter)

Gene: TRIO (trio Rho guanine nucleotide exchange factor; plus strand). Cytogenetic location: 5p15.2.
Variant type: single nucleotide variant.
Coding change: c.3571C>T on transcript NM_007118.4 (MANE Select); coding-DNA position 3571, C replaced by T.
Protein change: p.Gln1191Ter; replaces glutamine 1191 with a stop codon.
Molecular consequence: nonsense. On other transcripts: non-coding transcript variant (1).
Genome position (GRCh38, 1-based): chr5:14,387,438, C>T. VCF-style: chr5-14387438-C-T. GRCh37 (hg19) VCF-style: chr5-14387547-C-T.
Other names: short protein forms Q1191*.
Identifiers: ClinVar variation 1707527 (VCV001707527.1), dbSNP rs2532852191, ClinGen allele CA359224723.